The following is an entry in ClinVar:

NM_153682.3(PIGP):c.-22-49T>C

Genes: PIGP (phosphatidylinositol glycan anchor biosynthesis class P; minus strand), LOC130066643 (ATAC-STARR-seq lymphoblastoid silent region 13296; plus strand). Cytogenetic location: 21q22.13.
Variant type: single nucleotide variant.
Coding change: c.-22-49T>C on transcript NM_153682.3 (MANE Select); 49 bases into the intron before 22 bases upstream of the start codon, T replaced by C.
Molecular consequence: intron variant. On other transcripts: missense variant (1), initiator codon variant (1).
Genome position (GRCh38, 1-based): chr21:37,072,586, A>G on the plus strand (T>C on the coding strand, the complement: PIGP is on the minus strand). VCF-style: chr21-37072586-A-G. GRCh37 (hg19) VCF-style: chr21-38444886-A-G.
Other names: c.2T>C, p.Met1Thr (NM_153681.2); c.-266-49T>C (NM_016430.4); c.-22-49T>C (NM_001320480.2); short protein forms M1T.
Identifiers: ClinVar variation 2021822 (VCV002021822.2), dbSNP rs2070156844, ClinGen allele CA409921911.

ClinVar aggregate classification (germline): Uncertain significance (1 of 4 stars; one submission).

Allele frequency attached by ClinVar (database versions not stated): gnomAD exomes below 0.00001.

Submission:

Labcorp Genetics (formerly Invitae), Labcorp
Classification: Uncertain significance. Last evaluated: 2022-08-05. Review status: criteria provided, single submitter. Criteria: Invitae Variant Classification Sherloc (09022015). Collection method: clinical testing. Allele origin: germline.
Comment: This sequence change affects the initiator methionine of the PIGP mRNA. The next in-frame methionine is located at codon 25. This variant is not present in population databases (gnomAD no frequency). This variant has not been reported in the literature in individuals affected with PIGP-related conditions. Experimental studies and prediction algorithms are not available or were not evaluated, and the functional significance of this variant is currently unknown. In summary, the available evidence is currently insufficient to determine the role of this variant in disease. Therefore, it has been classified as a Variant of Uncertain Significance.